The following is an entry in ClinVar:

NM_001365951.3(KIF1B):c.2142G>T (p.Leu714Phe)

Gene: KIF1B (kinesin family member 1B; plus strand). Cytogenetic location: 1p36.22.
Variant type: single nucleotide variant.
Coding change: c.2142G>T on transcript NM_001365951.3 (MANE Select); coding-DNA position 2142, G replaced by T.
Protein change: p.Leu714Phe; replaces leucine 714 with phenylalanine.
Molecular consequence: missense variant.
Genome position (GRCh38, 1-based): chr1:10,320,069, G>T. VCF-style: chr1-10320069-G-T. GRCh37 (hg19) VCF-style: chr1-10380127-G-T.
Other names: c.2142G>T, p.Leu714Phe (NM_001365952.1); c.2004G>T, p.Leu668Phe (NM_015074.3); short protein forms L714F, L668F.
Identifiers: ClinVar variation 1784301 (VCV001784301.2), dbSNP rs1651461293, ClinGen allele CA338332289.
Genomic context (GRCh38, chr1:10,320,069, plus strand): 5'-TCTCCTACATGTTATCTCCTTTCTTTTCATTCAGGACTATGAGAGTAAATTGCAGGCCTT[G>T]CAGAAGCAGGTTGAAACCCGATCTCTGGCTGCAGAAACAACTGAAGAGGAGGAAGAAGAG-3'
Protein context (NP_001352880.1, residues 704-724): RLDYESKLQA[Leu714Phe]QKQVETRSLA

ClinVar aggregate classification (germline): Uncertain significance (1 of 4 stars; one submission).

Submission:

Ambry Genetics
Classification: Uncertain significance. Last evaluated: 2022-07-15. Review status: criteria provided, single submitter. Criteria: Ambry Variant Classification Scheme 2023. Collection method: clinical testing. Allele origin: germline.
Comment: The p.L668F variant (also known as c.2004G>T), located in coding exon 20 of the KIF1B gene, results from a G to T substitution at nucleotide position 2004. The leucine at codon 668 is replaced by phenylalanine, an amino acid with highly similar properties. This amino acid position is conserved. In addition, the in silico prediction for this alteration is inconclusive. Since supporting evidence is limited at this time, the clinical significance of this alteration remains unclear.